The following is an entry in ClinVar:

ClinVar aggregate classification (germline): Uncertain significance (1 of 4 stars; one submission).

Submission:

Labcorp Genetics (formerly Invitae), Labcorp
Classification: Uncertain significance. Last evaluated: 2024-05-18. Review status: criteria provided, single submitter. Criteria: Invitae Variant Classification Sherloc (09022015). Collection method: clinical testing. Allele origin: germline.
Comment: This sequence change replaces tyrosine, which is neutral and polar, with cysteine, which is neutral and slightly polar, at codon 65 of the ARCN1 protein (p.Tyr65Cys). This variant is not present in population databases (gnomAD no frequency). This variant has not been reported in the literature in individuals affected with ARCN1-related conditions. An algorithm developed to predict the effect of missense changes on protein structure and function (PolyPhen-2) suggests that this variant is likely to be disruptive. In summary, the available evidence is currently insufficient to determine the role of this variant in disease. Therefore, it has been classified as a Variant of Uncertain Significance.

NM_001655.5(ARCN1):c.194A>G (p.Tyr65Cys)

Gene: ARCN1 (archain 1 coat protein complex I subunit delta; plus strand). Cytogenetic location: 11q23.3.
Variant type: single nucleotide variant.
Coding change: c.194A>G on transcript NM_001655.5 (MANE Select); coding-DNA position 194, A replaced by G.
Protein change: p.Tyr65Cys; replaces tyrosine 65 with cysteine.
Molecular consequence: missense variant. On other transcripts: non-coding transcript variant (2), intron variant (3).
Genome position (GRCh38, 1-based): chr11:118,581,436, A>G. VCF-style: chr11-118581436-A-G. GRCh37 (hg19) VCF-style: chr11-118452151-A-G.
Other names: c.4-1743A>G (NM_001142281.2, NM_001425081.1); c.4-2373A>G (NM_001425080.1); c.194A>G, p.Tyr65Cys (NM_001425073.1, NM_001425074.1, NM_001425077.1 and 2 more transcripts); c.137A>G, p.Tyr46Cys (NM_001425075.1); c.125A>G, p.Tyr42Cys (NM_001425076.1); short protein forms Y42C, Y46C, Y65C.
Identifiers: ClinVar variation 3619343 (VCV003619343.2).